The following is an entry in ClinVar:

ClinVar aggregate classification (germline): Uncertain significance. Review status: criteria provided, multiple submitters, no conflicts (2 of 4 stars). 7 submissions from 7 submitters: Uncertain significance (6). 1 of the submissions does not count toward it. Last evaluated 2026-10-06.

Conditions:
TH-deficient dopa-responsive dystonia. Also called: Tyrosine Hydroxylase-Deficient Dopa-Responsive Dystonia; Segawa syndrome, autosomal recessive; DYT-TH. Identifiers: Orphanet 101150, MedGen C2673535, MONDO:0011551, OMIM 605407.
Inborn genetic diseases. Identifiers: MedGen C0950123, MeSH D030342.

Allele frequency attached by ClinVar (database versions not stated): gnomAD 0.00006 and 0.00005; ExAC 0.00007; TOPMed 0.00009; ESP Exome Variant Server 0.00015; gnomAD exomes 0.00012.
gnomAD v4.1: 328 of 1,613,404 alleles (0.02%); highest among the groups gnomAD compares: Middle Eastern, 0.033%; 1 homozygote.

Submissions (7):

GeneDx
Classification: Uncertain significance. Last evaluated: 2026-10-06. Review status: criteria provided, single submitter. Criteria: GeneDx Variant Classification Process June 2021. Collection method: clinical testing. Allele origin: germline.
Comment: In silico analysis supports that this missense variant has a deleterious effect on protein structure/function; Has not been previously published as pathogenic or benign to our knowledge

Ambry Genetics
Classification: Uncertain significance for Inborn genetic diseases. Last evaluated: 2023-12-28. Review status: criteria provided, single submitter. Criteria: Ambry Variant Classification Scheme 2023. Collection method: clinical testing. Allele origin: germline.

Labcorp Genetics (formerly Invitae), Labcorp
Classification: Uncertain significance for TH-deficient dopa-responsive dystonia. Last evaluated: 2022-08-23. Review status: criteria provided, single submitter. Criteria: Invitae Variant Classification Sherloc (09022015). Collection method: clinical testing. Allele origin: germline.
Comment: This sequence change replaces aspartic acid, which is acidic and polar, with asparagine, which is neutral and polar, at codon 215 of the TH protein (p.Asp215Asn). This variant is present in population databases (rs139807727, gnomAD 0.02%). This variant has not been reported in the literature in individuals affected with TH-related conditions. ClinVar contains an entry for this variant (Variation ID: 497884). Algorithms developed to predict the effect of missense changes on protein structure and function are either unavailable or do not agree on the potential impact of this missense change (SIFT: "Deleterious"; PolyPhen-2: "Benign"; Align-GVGD: "Class C15"). In summary, the available evidence is currently insufficient to determine the role of this variant in disease. Therefore, it has been classified as a Variant of Uncertain Significance.

Fulgent Genetics
Classification: Uncertain significance for TH-deficient dopa-responsive dystonia. Last evaluated: 2021-11-24. Review status: criteria provided, single submitter. Criteria: ACMG Guidelines, 2015. Collection method: clinical testing. Allele origin: unknown.

Illumina Laboratory Services, Illumina
Classification: Uncertain significance for TH-deficient dopa-responsive dystonia. Last evaluated: 2018-01-12. Review status: criteria provided, single submitter. Criteria: ICSL Variant Classification Criteria 13 December 2019. Collection method: clinical testing. Allele origin: germline.

Eurofins Ntd Llc (ga)
Classification: Uncertain significance. Last evaluated: 2016-10-10. Review status: criteria provided, single submitter. Criteria: EGL Classification Definitions 2015. Collection method: clinical testing. Allele origin: germline. Observed: 2 variant alleles, 2 heterozygotes.

Natera, Inc.
Classification: Uncertain significance for Autosomal recessive Segawa syndrome. Last evaluated: 2019-11-11. Review status: no assertion criteria provided. Collection method: clinical testing. Allele origin: germline. Not counted in ClinVar's aggregate classification.

NM_000360.4(TH):c.550G>A (p.Asp184Asn)

Gene: TH (tyrosine hydroxylase; minus strand). Cytogenetic location: 11p15.5.
Variant type: single nucleotide variant.
Coding change: c.550G>A on transcript NM_000360.4 (MANE Select); coding-DNA position 550, G replaced by A.
Protein change: p.Asp184Asn; replaces aspartic acid 184 with asparagine.
Molecular consequence: missense variant.
Genome position (GRCh38, 1-based): chr11:2,168,117, C>T on the plus strand (G>A on the coding strand, the complement: TH is on the minus strand). VCF-style: chr11-2168117-C-T. GRCh37 (hg19) VCF-style: chr11-2189347-C-T.
Other names: c.643G>A, p.Asp215Asn (NM_199292.3); c.631G>A, p.Asp211Asn (NM_199293.3); short protein forms D215N, D184N, D211N.
Identifiers: ClinVar variation 497884 (VCV000497884.21), dbSNP rs139807727, ClinGen allele CA5818622.